The following is an entry in ClinVar:

NM_006231.4(POLE):c.6793T>C (p.Tyr2265His)

Gene: POLE (DNA polymerase epsilon, catalytic subunit; minus strand). Cytogenetic location: 12q24.33.
Variant type: single nucleotide variant.
Coding change: c.6793T>C on transcript NM_006231.4 (MANE Select); coding-DNA position 6793, T replaced by C.
Protein change: p.Tyr2265His; replaces tyrosine 2265 with histidine.
Molecular consequence: missense variant.
Genome position (GRCh38, 1-based): chr12:132,624,765, A>G on the plus strand (T>C on the coding strand, the complement: POLE is on the minus strand). VCF-style: chr12-132624765-A-G. GRCh37 (hg19) VCF-style: chr12-133201351-A-G.
Other names: short protein forms Y2265H.
Identifiers: ClinVar variation 1376833 (VCV001376833.8), dbSNP rs2138421931, ClinGen allele CA387365776.

ClinVar aggregate classification (germline): Uncertain significance (1 of 4 stars; one submission).

Allele frequency attached by ClinVar (database versions not stated): gnomAD exomes below 0.00001.
gnomAD v4.1: 1 of 1,613,860 alleles (0.000062%); highest among the groups gnomAD compares: Non-Finnish European, 0.000085%; no homozygotes.

Submission:

Labcorp Genetics (formerly Invitae), Labcorp
Classification: Uncertain significance. Last evaluated: 2021-03-06. Review status: criteria provided, single submitter. Criteria: Invitae Variant Classification Sherloc (09022015). Collection method: clinical testing. Allele origin: germline.
Comment: In summary, the available evidence is currently insufficient to determine the role of this variant in disease. Therefore, it has been classified as a Variant of Uncertain Significance. Algorithms developed to predict the effect of missense changes on protein structure and function (SIFT, PolyPhen-2, Align-GVGD) all suggest that this variant is likely to be tolerated, but these predictions have not been confirmed by published functional studies and their clinical significance is uncertain. This variant has not been reported in the literature in individuals with POLE-related conditions. This variant is not present in population databases (ExAC no frequency). This sequence change replaces tyrosine with histidine at codon 2265 of the POLE protein (p.Tyr2265His). The tyrosine residue is moderately conserved and there is a moderate physicochemical difference between tyrosine and histidine.